The following is an entry in ClinVar:

ClinVar aggregate classification (germline): Uncertain significance (1 of 4 stars; one submission).

Conditions:
Primary dilated cardiomyopathy (DCM). Also called: Dilated Cardiomyopathy. Identifiers: Orphanet 217604, MedGen C0007193, MeSH D002311, MONDO:0005021, HP:0001644. Inheritance: Various modes of inheritance.

Submission:

Labcorp Genetics (formerly Invitae), Labcorp
Classification: Uncertain significance for Primary dilated cardiomyopathy. Last evaluated: 2023-03-26. Review status: criteria provided, single submitter. Criteria: Invitae Variant Classification Sherloc (09022015). Collection method: clinical testing. Allele origin: germline.
Comment: In summary, the available evidence is currently insufficient to determine the role of this variant in disease. Therefore, it has been classified as a Variant of Uncertain Significance. This variant has not been reported in the literature in individuals affected with NEBL-related conditions. This variant is not present in population databases (gnomAD no frequency). This sequence change creates a premature translational stop signal (p.Asn648Lysfs*11) in the NEBL gene. It is expected to result in an absent or disrupted protein product. However, the current clinical and genetic evidence is not sufficient to establish whether loss-of-function variants in NEBL cause disease.

NM_006393.3(NEBL):c.1943dup (p.Asn648fs)

Gene: NEBL (nebulette; minus strand). Cytogenetic location: 10p12.31.
Variant type: Duplication.
Coding change: c.1943dup on transcript NM_006393.3 (MANE Select); coding-DNA position 1943, one base duplicated (A; older notation c.1943dupA).
Protein change: p.Asn648fs; shifts the reading frame from asparagine 648.
Molecular consequence: frameshift variant. On other transcripts: intron variant (9).
Genome position (GRCh38, 1-based): chr10:20,823,227, T duplicated on the plus strand (A on the coding strand, the reverse complement: NEBL is on the minus strand); the first of 4 consecutive T bases (chr10:20,823,227-20,823,230); duplicating any one gives the same sequence. VCF-style (leftmost placement, unchanged base first): chr10-20823226-G-GT. GRCh37 (hg19) VCF-style: chr10-21112155-G-GT.
Other names: c.250-10287dup (NM_001377326.1, NM_001377327.1, NM_001377328.1); c.358-10287dup (NM_213569.2, NM_001173484.2, NM_001377322.1); c.301-10287dup (NM_001377324.1); c.292-10287dup (NM_001377325.1); c.310-10287dup (NM_001377323.1); short protein forms N648fs.
Identifiers: ClinVar variation 2849729 (VCV002849729.3), dbSNP rs1839524142, ClinGen allele CA1895346146.